The following is an entry in ClinVar:

NM_013432.5(TONSL):c.2398G>A (p.Gly800Ser)

Genes: TONSL (tonsoku like, DNA repair protein; minus strand), TONSL-AS1 (TONSL antisense RNA 1; plus strand). Cytogenetic location: 8q24.3.
Variant type: single nucleotide variant.
Coding change: c.2398G>A on transcript NM_013432.5 (MANE Select); coding-DNA position 2398, G replaced by A.
Protein change: p.Gly800Ser; replaces glycine 800 with serine.
Molecular consequence: missense variant.
Genome position (GRCh38, 1-based): chr8:144,436,035, C>T on the plus strand (G>A on the coding strand, the complement: TONSL is on the minus strand). VCF-style: chr8-144436035-C-T. GRCh37 (hg19) VCF-style: chr8-145661418-C-T.
Other names: short protein forms G800S.
Identifiers: ClinVar variation 1402364 (VCV001402364.6), dbSNP rs778508899, ClinGen allele CA4942838.
Genomic context (GRCh38, chr8:144,436,035, plus strand): 5'-GGGCAAGGGCTTTGCTGTGGCCCCGCGGTGGGCCAGGCCCCAGCCGGCTCTGAGCACTGC[C>T]CACACCCCGGATGGCTGCCTGGTAGGCTGCCCGGCTGGTGCTGGCTGTGGCTGCTTCCCT-3'
Protein context (NP_038460.4, residues 790-810): AAYQAAIRGV[Gly800Ser]SAQSRLGPGP

ClinVar aggregate classification (germline): Uncertain significance (1 of 4 stars; one submission).

Allele frequency attached by ClinVar (database versions not stated): gnomAD exomes below 0.00001; ExAC 0.00002.
gnomAD v4.1: 1 of 1,570,174 alleles (0.000064%); highest among the groups gnomAD compares: Admixed American, 0.0018%; no homozygotes.

Submission:

Labcorp Genetics (formerly Invitae), Labcorp
Classification: Uncertain significance. Last evaluated: 2021-05-13. Review status: criteria provided, single submitter. Criteria: Invitae Variant Classification Sherloc (09022015). Collection method: clinical testing. Allele origin: germline.
Comment: In summary, the available evidence is currently insufficient to determine the role of this variant in disease. Therefore, it has been classified as a Variant of Uncertain Significance. Algorithms developed to predict the effect of missense changes on protein structure and function are either unavailable or do not agree on the potential impact of this missense change (SIFT: "Tolerated"; PolyPhen-2: "Probably Damaging"; Align-GVGD: "Class C0"). This variant has not been reported in the literature in individuals with TONSL-related conditions. This variant is present in population databases (rs778508899, ExAC 0.03%). This sequence change replaces glycine with serine at codon 800 of the TONSL protein (p.Gly800Ser). The glycine residue is highly conserved and there is a small physicochemical difference between glycine and serine.